The following is an entry in ClinVar:

NM_001377265.1(MAPT):c.2091+29G>A

Gene: MAPT (microtubule associated protein tau). Cytogenetic location: 17q21.31.
Variant type: single nucleotide variant.
Coding change: c.2091+29G>A on transcript NM_001377265.1 (MANE Select); 29 bases into the intron after coding-DNA position 2091, G replaced by A.
Molecular consequence: intron variant.
Genome position (GRCh38, 1-based): chr17:46,010,431, G>A. VCF-style: chr17-46010431-G-A. GRCh37 (hg19) VCF-style: chr17-44087797-G-A.
Other names: c.649-3812G>A (NM_001377268.1, NM_016841.5); c.1920+29G>A (NM_001123066.4, NM_001123066.3); c.1866+29G>A (NM_016835.5); c.915+29G>A (NM_005910.6); c.823-3812G>A (NM_001203252.2); c.1801-3812G>A (NM_001377266.1); c.828+29G>A (NM_001123067.4); c.736-3812G>A (NM_001203251.2, NM_001377267.1); and 1 more.
Identifiers: ClinVar variation 98225 (VCV000098225.59), dbSNP rs63751443, ClinGen allele CA225468.

ClinVar aggregate classification (germline): Benign/Likely benign. Review status: criteria provided, multiple submitters, no conflicts (2 of 4 stars). 10 submissions from 10 submitters: Benign (3); Likely benign (3). 4 of the submissions do not count toward it. Last evaluated 2026-08-01.

Conditions:
MAPT-related disorder. Also called: MAPT-Related Disorders; MAPT-related condition.
Inborn genetic diseases. Identifiers: MedGen C0950123, MeSH D030342.
Frontotemporal dementia (FTD1). Also called: FRONTOTEMPORAL LOBAR DEGENERATION WITH TAU INCLUSIONS; FTLD WITH TAU INCLUSIONS; MULTIPLE SYSTEM TAUOPATHY WITH PRESENILE DEMENTIA; WILHELMSEN-LYNCH DISEASE; Frontotemporal lobe dementia (FLDEM); Frontotemporal Dementia with Parkinsonism-17 (FTDP-17). Identifiers: Orphanet 282, MedGen C0338451, MONDO:0017276, OMIM 600274, HP:0002145.

Allele frequency attached by ClinVar (database versions not stated): 1000 Genomes Project 0.00060; 1000 Genomes Project 30x 0.00094; gnomAD 0.00206 and 0.00213; gnomAD exomes 0.00208 and 0.00353; TOPMed 0.00218; ExAC 0.00232; ESP Exome Variant Server 0.00278.
gnomAD v4.1: 4,940 of 1,460,154 alleles (0.34%); highest among the groups gnomAD compares: Non-Finnish European, 0.42%; 13 homozygotes.

Submissions (10):

CeGaT Center for Human Genetics Tuebingen
Classification: Likely benign. Last evaluated: 2026-08-01. Review status: criteria provided, single submitter. Criteria: CeGaT Center For Human Genetics Tuebingen Variant Classification Criteria Version 2. Collection method: clinical testing. Allele origin: germline. Affected: yes. Observed: 22 variant alleles.
Comment: MAPT: BS2

Athena Diagnostics
Classification: Benign. Last evaluated: 2025-04-09. Review status: criteria provided, single submitter. Criteria: Athena Diagnostics Criteria. Collection method: clinical testing. Allele origin: unknown.
Comment: The frequency of this variant in the general population is higher than would generally be expected for pathogenic variants in this gene. Computational tools yielded predictions that this variant is unlikely to have an effect on normal RNA splicing. This nucleotide position exhibits low evolutionary conservation.

Labcorp Genetics (formerly Invitae), Labcorp
Classification: Benign for Frontotemporal dementia. Last evaluated: 2023-08-04. Review status: criteria provided, single submitter. Criteria: Invitae Variant Classification Sherloc (09022015). Collection method: clinical testing. Allele origin: germline.

Ambry Genetics
Classification: Likely benign for Inborn genetic diseases. Last evaluated: 2021-11-04. Review status: criteria provided, single submitter. Criteria: Ambry Variant Classification Scheme 2023. Collection method: clinical testing. Allele origin: germline.

GeneDx
Classification: Benign. Last evaluated: 2019-07-24. Review status: criteria provided, single submitter. Criteria: GeneDx Variant Classification Process June 2021. Collection method: clinical testing. Allele origin: germline. Affected: yes.
Comment: This variant is associated with the following publications: (PMID: 12615641, 17071927)

Breakthrough Genomics
Classification: Likely benign. Review status: criteria provided, single submitter. Criteria: ACMG Guidelines, 2015. Collection method: not provided. Allele origin: germline. Inheritance: Autosomal recessive inheritance. Affected: yes.

PreventionGenetics, part of Exact Sciences
Classification: Likely benign for MAPT-related condition. Last evaluated: 2020-04-24. Review status: no assertion criteria provided. Collection method: clinical testing. Allele origin: germline. Not counted in ClinVar's aggregate classification.
Comment: This variant is classified as likely benign based on ACMG/AMP sequence variant interpretation guidelines (Richards et al. 2015 PMID: 25741868, with internal and published modifications).

Clinical Genetics DNA and cytogenetics Diagnostics Lab, Erasmus MC, Erasmus Medical Center
Classification: Benign. Review status: no assertion criteria provided. Collection method: clinical testing. Allele origin: germline. Affected: yes. Study: VKGL Data-share Consensus. Not counted in ClinVar's aggregate classification.

Genome Diagnostics Laboratory, University Medical Center Utrecht
Classification: Likely benign. Review status: no assertion criteria provided. Collection method: clinical testing. Allele origin: germline. Affected: yes. Study: VKGL Data-share Consensus. Not counted in ClinVar's aggregate classification.

VIB  Department of Molecular Genetics, University of Antwerp
No classification provided. Review status: no classification provided. Collection method: not provided. Allele origin: not provided. Not counted in ClinVar's aggregate classification.

Literature cited by the submitters: PubMed 27975259 (cited by Athena Diagnostics); PubMed 25937274 (cited by Athena Diagnostics); PubMed 10318930 (cited by Athena Diagnostics); PubMed 10624829 (cited by Athena Diagnostics); PubMed 12615641 (cited by Athena Diagnostics); PubMed 15376481 (cited by Athena Diagnostics); PubMed 17071927 (cited by Athena Diagnostics); PubMed 19659892 (cited by Athena Diagnostics).